The following is an entry in ClinVar:

NM_024426.6(WT1):c.440A>G (p.Gln147Arg)

Genes: WT1 (WT1 transcription factor; minus strand), LOC107982234 (WT1/WT1-AS bi-directional promoter region; plus strand). Cytogenetic location: 11p13.
Variant type: single nucleotide variant.
Coding change: c.440A>G on transcript NM_024426.6 (MANE Select); coding-DNA position 440, A replaced by G.
Protein change: p.Gln147Arg; replaces glutamine 147 with arginine.
Molecular consequence: missense variant. On other transcripts: non-coding transcript variant (1).
Genome position (GRCh38, 1-based): chr11:32,434,921, T>C on the plus strand (A>G on the coding strand, the complement: WT1 is on the minus strand). VCF-style: chr11-32434921-T-C. GRCh37 (hg19) VCF-style: chr11-32456467-T-C.
Other names: c.440A>G, p.Gln147Arg (NM_000378.6, NM_024424.5); short protein forms Q147R.
Identifiers: ClinVar variation 582410 (VCV000582410.8), dbSNP rs764552529, ClinGen allele CA064944.
Genomic context (GRCh38, chr11:32,434,921, plus strand): 5'-ACAGTGAAGGCGCTCAGGCACTGCTCCTCGTGCGGCTCCGCGCCGCCCCAGCTCGGCTCC[T>C]GTTTGATGAAGGAGTGAGGCGGCGGCGGCGGGGGTGGCGGCGGAGCCGGTGGCGGCGCGG-3'
Protein context (NP_077744.4, residues 137-157): PPPPPHSFIK[Gln147Arg]EPSWGGAEPH

ClinVar aggregate classification (germline): Conflicting classifications of pathogenicity. Review status: criteria provided, conflicting classifications (1 of 4 stars). 2 submissions from 2 submitters: Uncertain significance (1); Likely benign (1). Last evaluated 2026-01-02.

Conditions:
Frasier syndrome. Identifiers: Orphanet 347, MedGen C0950122, MeSH D052159, MONDO:0007635, OMIM 136680.
Wilms tumor 1 (WT1). Also called: Wilms tumor, somatic. Identifiers: Orphanet 654, MedGen CN033288, MONDO:0008679, OMIM 194070.
11p partial monosomy syndrome (WAGR). Also called: WAGR Complex; WAGR syndrome; WAGR Spectrum Disorder; CHROMOSOME 11p13 DELETION SYNDROME. Identifiers: Orphanet 893, MedGen C0206115, MONDO:0008681, OMIM 194072.
Drash syndrome (DDS). Also called: NEPHROPATHY, WILMS TUMOR, AND GENITAL ANOMALIES; WILMS TUMOR AND PSEUDO- OR TRUE HERMAPHRODITISM. Identifiers: Orphanet 220, MedGen C0950121, MONDO:0008682, OMIM 194080.
Inborn genetic diseases. Identifiers: MedGen C0950123, MeSH D030342.

Allele frequency attached by ClinVar (database versions not stated): gnomAD exomes below 0.00001 and 0.00001; ExAC 0.00001; gnomAD 0.00001; TOPMed 0.00001.

Submissions (2):

Labcorp Genetics (formerly Invitae), Labcorp
Classification: Uncertain significance for Wilms tumor 1; Drash syndrome; 11p partial monosomy syndrome; Frasier syndrome. Last evaluated: 2026-01-02. Review status: criteria provided, single submitter. Criteria: Invitae Variant Classification Sherloc (09022015). Collection method: clinical testing. Allele origin: germline.
Comment: This sequence change replaces glutamine, which is neutral and polar, with arginine, which is basic and polar, at codon 142 of the WT1 protein (p.Gln142Arg). This variant is present in population databases (rs764552529, gnomAD 0.02%). This variant has not been reported in the literature in individuals affected with WT1-related conditions. ClinVar contains an entry for this variant (Variation ID: 582410). Invitae Evidence Modeling of protein sequence and biophysical properties (such as structural, functional, and spatial information, amino acid conservation, physicochemical variation, residue mobility, and thermodynamic stability) indicates that this missense variant is expected to disrupt WT1 protein function with a positive predictive value of 95%. In summary, the available evidence is currently insufficient to determine the role of this variant in disease. Therefore, it has been classified as a Variant of Uncertain Significance.

Ambry Genetics
Classification: Likely benign for Inborn genetic diseases. Last evaluated: 2024-08-21. Review status: criteria provided, single submitter. Criteria: Ambry Variant Classification Scheme 2023. Collection method: clinical testing. Allele origin: germline.